The following is an entry in ClinVar:

NM_138393.4(REEP6):c.127_128del (p.Leu43fs)

Gene: REEP6 (receptor accessory protein 6; plus strand). Cytogenetic location: 19p13.3.
Variant type: Microsatellite.
Coding change: c.127_128del on transcript NM_138393.4 (MANE Select); coding-DNA positions 127 to 128, 2 bases deleted (CT; older notation c.127_128delCT).
Protein change: p.Leu43fs; shifts the reading frame from leucine 43.
Molecular consequence: frameshift variant.
Genome position (GRCh38, 1-based): chr19:1,495,305-1,495,306, CT deleted; deleting any 2 consecutive bases within chr19:1,495,303-1,495,306 gives the same sequence; the c. name uses the placement nearest the transcript's 3' end. VCF-style (leftmost placement, unchanged base first): chr19-1495302-ACT-A. GRCh37 (hg19) VCF-style: chr19-1495301-ACT-A.
Other names: c.127_128del, p.Leu43fs (NM_001329556.3); short protein forms L43fs.
Identifiers: ClinVar variation 1397844 (VCV001397844.7), dbSNP rs1388664420, ClinGen allele CA631049468.
Genomic context (GRCh38, chr19:1,495,302, plus strand): 5'-TGGGGGCTCAGCGGGTCCCCAGCCCTGGCACACCACCGCCTCTCTCCGGCAGGAGCCGTC[ACT>A]CTGCTAAGCCTGTATCTGCTGTTCGGCTACGGAGCGTCTCTGCTGTGCAATCTCATCGGA-3'

ClinVar aggregate classification (germline): Pathogenic. Review status: criteria provided, multiple submitters, no conflicts (2 of 4 stars). 2 submissions from 2 submitters: Pathogenic (2). Last evaluated 2025-09-10.

Conditions:
Retinitis pigmentosa 77 (RP77). Identifiers: MedGen C4310626, MONDO:0015013, OMIM 617304.

Submissions (2):

Genomic Medicine Center of Excellence, King Faisal Specialist Hospital and Research Centre
Classification: Pathogenic for Retinitis pigmentosa 77. Last evaluated: 2025-09-10. Review status: criteria provided, single submitter. Criteria: ACMG Guidelines, 2015. Collection method: clinical testing. Allele origin: germline.

Labcorp Genetics (formerly Invitae), Labcorp
Classification: Pathogenic. Last evaluated: 2022-08-15. Review status: criteria provided, single submitter. Criteria: Invitae Variant Classification Sherloc (09022015). Collection method: clinical testing. Allele origin: germline.
Comment: This sequence change creates a premature translational stop signal (p.Leu43Alafs*137) in the REEP6 gene. It is expected to result in an absent or disrupted protein product. Loss-of-function variants in REEP6 are known to be pathogenic (PMID: 27889058, 29120066). This variant is present in population databases (no rsID available, gnomAD 0.002%). This variant has not been reported in the literature in individuals affected with REEP6-related conditions. For these reasons, this variant has been classified as Pathogenic.

Literature cited by the submitters: PubMed 27889058 (cited by Labcorp Genetics (formerly Invitae), Labcorp); PubMed 29120066 (cited by Labcorp Genetics (formerly Invitae), Labcorp).